The following is an entry in ClinVar:

ClinVar aggregate classification (germline): Likely benign. Review status: criteria provided, multiple submitters, no conflicts (2 of 4 stars). 4 submissions from 4 submitters: Likely benign (2). 2 of the submissions do not count toward it. Last evaluated 2023-12-01.

Conditions:
Mevalonic aciduria (MEVA). Identifiers: Orphanet 29, MedGen C1959626, MONDO:0012481, OMIM 610377.
Porokeratosis 3, disseminated superficial actinic type (POROK3). Also called: POROKERATOSIS, DISSEMINATED SUPERFICIAL ACTINIC, 1; POROKERATOSIS 3, MULTIPLE TYPES; POROKERATOSIS 3, MIBELLI TYPE. Identifiers: MedGen C1867981, MONDO:0008293, OMIM 175900.
Hyperimmunoglobulin D with periodic fever (HIDS). Also called: Hyperimmunoglobulinemia D with periodic fever; HYPERIMMUNOGLOBULINEMIA D AND PERIODIC FEVER SYNDROME; Hyperimmunoglobulinemia D. Identifiers: Orphanet 343, MedGen C0398691, MONDO:0009849, OMIM 260920.

Allele frequency attached by ClinVar (database versions not stated): TOPMed below 0.00001; ExAC 0.00001; gnomAD 0.00001; gnomAD exomes 0.00001 and 0.00002.
gnomAD v4.1: 31 of 1,614,052 alleles (0.0019%); highest among the groups gnomAD compares: Non-Finnish European, 0.0026%; no homozygotes.

Submissions (4):

Labcorp Genetics (formerly Invitae), Labcorp
Classification: Likely benign for Mevalonic aciduria; Hyperimmunoglobulin D with periodic fever; Porokeratosis 3, disseminated superficial actinic type. Last evaluated: 2023-12-01. Review status: criteria provided, single submitter. Criteria: Invitae Variant Classification Sherloc (09022015). Collection method: clinical testing. Allele origin: germline.

CeGaT Center for Human Genetics Tuebingen
Classification: Likely benign. Last evaluated: 2022-09-01. Review status: criteria provided, single submitter. Criteria: CeGaT Center For Human Genetics Tuebingen Variant Classification Criteria Version 2. Collection method: clinical testing. Allele origin: germline. Affected: yes. Observed: 1 variant allele.
Comment: MVK: BP4, BP7

Clinical Genetics DNA and cytogenetics Diagnostics Lab, Erasmus MC, Erasmus Medical Center
Classification: Likely benign. Review status: no assertion criteria provided. Collection method: clinical testing. Allele origin: germline. Affected: yes. Study: VKGL Data-share Consensus. Not counted in ClinVar's aggregate classification.

Clinical Genetics, Academic Medical Center
Classification: Likely benign. Review status: no assertion criteria provided. Collection method: clinical testing. Allele origin: germline. Affected: yes. Study: VKGL Data-share Consensus. Not counted in ClinVar's aggregate classification.

NM_000431.4(MVK):c.216A>G (p.Thr72=)

Gene: MVK (mevalonate kinase; plus strand). Cytogenetic location: 12q24.11.
Variant type: single nucleotide variant.
Coding change: c.216A>G on transcript NM_000431.4 (MANE Select); coding-DNA position 216, A replaced by G.
Protein change: p.Thr72=; no amino-acid change (threonine 72 retained).
Molecular consequence: synonymous variant.
Genome position (GRCh38, 1-based): chr12:109,576,135, A>G. VCF-style: chr12-109576135-A-G. GRCh37 (hg19) VCF-style: chr12-110013940-A-G.
Other names: c.216A>G, p.Thr72= (NM_001114185.3, NM_001301182.2).
Identifiers: ClinVar variation 1284675 (VCV001284675.37), dbSNP rs758432894, ClinGen allele CA6779166.